The following is an entry in ClinVar:

NM_022167.4(XYLT2):c.698G>A (p.Arg233Gln)

Gene: XYLT2 (xylosyltransferase 2; plus strand). Cytogenetic location: 17q21.33.
Variant type: single nucleotide variant.
Coding change: c.698G>A on transcript NM_022167.4 (MANE Select); coding-DNA position 698, G replaced by A.
Protein change: p.Arg233Gln; replaces arginine 233 with glutamine.
Molecular consequence: missense variant.
Genome position (GRCh38, 1-based): chr17:50,354,477, G>A. VCF-style: chr17-50354477-G-A. GRCh37 (hg19) VCF-style: chr17-48431838-G-A.
Other names: short protein forms R233Q.
Identifiers: ClinVar variation 1982147 (VCV001982147.1), dbSNP rs142606378, ClinGen allele CA8646240.

ClinVar aggregate classification (germline): Uncertain significance (1 of 4 stars; one submission).

Allele frequency attached by ClinVar (database versions not stated): 1000 Genomes Project 0.00060; TOPMed 0.00034; gnomAD exomes 0.00004; gnomAD 0.00041; ExAC 0.00014; 1000 Genomes Project 30x 0.00062; ESP Exome Variant Server 0.00069.
gnomAD v4.1: 119 of 1,612,766 alleles (0.0074%); highest among the groups gnomAD compares: African/African-American, 0.14%; no homozygotes.

Submission:

Labcorp Genetics (formerly Invitae), Labcorp
Classification: Uncertain significance. Last evaluated: 2022-07-25. Review status: criteria provided, single submitter. Criteria: Invitae Variant Classification Sherloc (09022015). Collection method: clinical testing. Allele origin: germline.
Comment: This sequence change replaces arginine, which is basic and polar, with glutamine, which is neutral and polar, at codon 233 of the XYLT2 protein (p.Arg233Gln). This variant is present in population databases (rs142606378, gnomAD 0.2%). This variant has not been reported in the literature in individuals affected with XYLT2-related conditions. Algorithms developed to predict the effect of missense changes on protein structure and function are either unavailable or do not agree on the potential impact of this missense change (SIFT: "Deleterious"; PolyPhen-2: "Probably Damaging"; Align-GVGD: "Class C0"). In summary, the available evidence is currently insufficient to determine the role of this variant in disease. Therefore, it has been classified as a Variant of Uncertain Significance.